The following is an entry in ClinVar:

NM_001759.4(CCND2):c.806C>T (p.Ser269Phe)

Gene: CCND2 (cyclin D2; plus strand). Cytogenetic location: 12p13.32.
Variant type: single nucleotide variant.
Coding change: c.806C>T on transcript NM_001759.4 (MANE Select); coding-DNA position 806, C replaced by T.
Protein change: p.Ser269Phe; replaces serine 269 with phenylalanine.
Molecular consequence: missense variant.
Genome position (GRCh38, 1-based): chr12:4,299,945, C>T. VCF-style: chr12-4299945-C-T. GRCh37 (hg19) VCF-style: chr12-4409111-C-T.
Other names: short protein forms S269F.
Identifiers: ClinVar variation 1403700 (VCV001403700.6), dbSNP rs886804797, ClinGen allele CA231747234.

ClinVar aggregate classification (germline): Uncertain significance (1 of 4 stars; one submission).

Allele frequency attached by ClinVar (database versions not stated): TOPMed below 0.00001.

Submission:

Labcorp Genetics (formerly Invitae), Labcorp
Classification: Uncertain significance. Last evaluated: 2024-06-10. Review status: criteria provided, single submitter. Criteria: Invitae Variant Classification Sherloc (09022015). Collection method: clinical testing. Allele origin: germline.
Comment: This sequence change replaces serine, which is neutral and polar, with phenylalanine, which is neutral and non-polar, at codon 269 of the CCND2 protein (p.Ser269Phe). This variant is not present in population databases (gnomAD no frequency). This variant has not been reported in the literature in individuals affected with CCND2-related conditions. ClinVar contains an entry for this variant (Variation ID: 1403700). An algorithm developed to predict the effect of missense changes on protein structure and function (PolyPhen-2) suggests that this variant is likely to be tolerated. In summary, the available evidence is currently insufficient to determine the role of this variant in disease. Therefore, it has been classified as a Variant of Uncertain Significance.